The following is an entry in ClinVar:

NM_145290.4(ADGRA3):c.1961C>A (p.Thr654Lys)

Gene: ADGRA3 (adhesion G protein-coupled receptor A3; minus strand). Cytogenetic location: 4p15.2.
Variant type: single nucleotide variant.
Coding change: c.1961C>A on transcript NM_145290.4 (MANE Select); coding-DNA position 1961, C replaced by A.
Protein change: p.Thr654Lys; replaces threonine 654 with lysine.
Molecular consequence: missense variant.
Genome position (GRCh38, 1-based): chr4:22,413,663, G>T on the plus strand (C>A on the coding strand, the complement: ADGRA3 is on the minus strand). VCF-style: chr4-22413663-G-T. GRCh37 (hg19) VCF-style: chr4-22415286-G-T.
Other names: short protein forms T654K.
Identifiers: ClinVar variation 3688962 (VCV003688962.2).

ClinVar aggregate classification (germline): Uncertain significance (1 of 4 stars; one submission).

Submission:

Labcorp Genetics (formerly Invitae), Labcorp
Classification: Uncertain significance. Last evaluated: 2024-12-14. Review status: criteria provided, single submitter. Criteria: Invitae Variant Classification Sherloc (09022015). Collection method: clinical testing. Allele origin: germline.
Comment: This sequence change replaces threonine, which is neutral and polar, with lysine, which is basic and polar, at codon 654 of the ADGRA3 protein (p.Thr654Lys). This variant is not present in population databases (gnomAD no frequency). This variant has not been reported in the literature in individuals affected with ADGRA3-related conditions. An algorithm developed to predict the effect of missense changes on protein structure and function (PolyPhen-2) suggests that this variant is likely to be tolerated. In summary, the available evidence is currently insufficient to determine the role of this variant in disease. Therefore, it has been classified as a Variant of Uncertain Significance.